The following is an entry in ClinVar:

ClinVar aggregate classification (germline): Uncertain significance (1 of 4 stars; one submission).

Conditions:
EGFR-related lung cancer (EGFR). Identifiers: MedGen CN130014.

Allele frequency attached by ClinVar (database versions not stated): gnomAD exomes below 0.00001.
gnomAD v4.1: 2 of 1,614,216 alleles (0.00012%); highest among the groups gnomAD compares: Non-Finnish European, 0.00017%; no homozygotes.

Submission:

Labcorp Genetics (formerly Invitae), Labcorp
Classification: Uncertain significance for EGFR-related lung cancer. Last evaluated: 2022-04-29. Review status: criteria provided, single submitter. Criteria: Invitae Variant Classification Sherloc (09022015). Collection method: clinical testing. Allele origin: germline.
Comment: In summary, the available evidence is currently insufficient to determine the role of this variant in disease. Therefore, it has been classified as a Variant of Uncertain Significance. Algorithms developed to predict the effect of missense changes on protein structure and function (SIFT, PolyPhen-2, Align-GVGD) all suggest that this variant is likely to be tolerated. This variant has not been reported in the literature in individuals affected with EGFR-related conditions. This variant is not present in population databases (gnomAD no frequency). This sequence change replaces glutamine, which is neutral and polar, with arginine, which is basic and polar, at codon 812 of the EGFR protein (p.Gln812Arg).

NM_005228.5(EGFR):c.2435A>G (p.Gln812Arg)

Genes: EGFR-AS1 (EGFR antisense RNA 1; minus strand), EGFR (epidermal growth factor receptor; plus strand). Cytogenetic location: 7p11.2.
Variant type: single nucleotide variant.
Coding change: c.2435A>G on transcript NM_005228.5 (MANE Select); coding-DNA position 2435, A replaced by G.
Protein change: p.Gln812Arg; replaces glutamine 812 with arginine.
Molecular consequence: missense variant. On other transcripts: non-coding transcript variant (1).
Genome position (GRCh38, 1-based): chr7:55,181,444, A>G. VCF-style: chr7-55181444-A-G. GRCh37 (hg19) VCF-style: chr7-55249137-A-G.
Other names: c.2300A>G, p.Gln767Arg (NM_001346897.2, NM_001346899.2); c.2435A>G, p.Gln812Arg (NM_001346898.2); c.2276A>G, p.Gln759Arg (NM_001346900.2); c.1634A>G, p.Gln545Arg (NM_001346941.2); short protein forms Q545R, Q759R, Q767R, Q812R.
Identifiers: ClinVar variation 2418796 (VCV002418796.5), dbSNP rs1584238849, ClinGen allele CA367578995.